The following is an entry in ClinVar:

ClinVar aggregate classification (germline): Uncertain significance (1 of 4 stars; one submission).

Conditions:
Infantile spasms. Also called: Infantile spasm. Identifiers: MedGen C3887898, HP:0012469.

Submission:

Labcorp Genetics (formerly Invitae), Labcorp
Classification: Uncertain significance for Infantile spasms. Last evaluated: 2024-04-16. Review status: criteria provided, single submitter. Criteria: Invitae Variant Classification Sherloc (09022015). Collection method: clinical testing. Allele origin: germline.
Comment: This sequence change replaces serine, which is neutral and polar, with tyrosine, which is neutral and polar, at codon 572 of the PIK3AP1 protein (p.Ser572Tyr). This variant is not present in population databases (gnomAD no frequency). This variant has not been reported in the literature in individuals affected with PIK3AP1-related conditions. An algorithm developed to predict the effect of missense changes on protein structure and function (PolyPhen-2) suggests that this variant is likely to be disruptive. In summary, the available evidence is currently insufficient to determine the role of this variant in disease. Therefore, it has been classified as a Variant of Uncertain Significance.

NM_152309.3(PIK3AP1):c.1715C>A (p.Ser572Tyr)

Gene: PIK3AP1 (phosphoinositide-3-kinase adaptor protein 1; minus strand). Cytogenetic location: 10q24.1.
Variant type: single nucleotide variant.
Coding change: c.1715C>A on transcript NM_152309.3 (MANE Select); coding-DNA position 1715, C replaced by A.
Protein change: p.Ser572Tyr; replaces serine 572 with tyrosine.
Molecular consequence: missense variant.
Genome position (GRCh38, 1-based): chr10:96,623,492, G>T on the plus strand (C>A on the coding strand, the complement: PIK3AP1 is on the minus strand). VCF-style: chr10-96623492-G-T. GRCh37 (hg19) VCF-style: chr10-98383249-G-T.
Other names: short protein forms S572Y.
Identifiers: ClinVar variation 3650052 (VCV003650052.2).